The following is an entry in ClinVar:

NM_000321.3(RB1):c.1001G>A (p.Arg334Lys)

Gene: RB1 (RB transcriptional corepressor 1; plus strand). Cytogenetic location: 13q14.2.
Variant type: single nucleotide variant.
Coding change: c.1001G>A on transcript NM_000321.3 (MANE Select); coding-DNA position 1001, G replaced by A.
Protein change: p.Arg334Lys; replaces arginine 334 with lysine.
Molecular consequence: missense variant.
Genome position (GRCh38, 1-based): chr13:48,367,555, G>A. VCF-style: chr13-48367555-G-A. GRCh37 (hg19) VCF-style: chr13-48941691-G-A.
Other names: c.1001G>A, p.Arg334Lys (NM_001407165.1, NM_001407166.1); short protein forms R334K.
Identifiers: ClinVar variation 2585752 (VCV002585752.2), dbSNP rs2138121312, ClinGen allele CA388160770.

ClinVar aggregate classification (germline): Uncertain significance (1 of 4 stars; one submission).

Conditions:
Hereditary cancer-predisposing syndrome. Also called: Hereditary neoplastic syndrome; Tumor predisposition; Hereditary Cancer Syndrome; Neoplastic Syndromes, Hereditary. Identifiers: Orphanet 140162, MedGen C0027672, MeSH D009386, MONDO:0015356.

Submission:

Ambry Genetics
Classification: Uncertain significance for Hereditary cancer-predisposing syndrome. Last evaluated: 2023-09-13. Review status: criteria provided, single submitter. Criteria: Ambry Variant Classification Scheme 2023. Collection method: clinical testing. Allele origin: germline.
Comment: The p.R334K variant (also known as c.1001G>A), located in coding exon 10 of the RB1 gene, results from a G to A substitution at nucleotide position 1001. The arginine at codon 334 is replaced by lysine, an amino acid with highly similar properties. This amino acid position is conserved. In addition, this alteration is predicted to be deleterious by in silico analysis. Since supporting evidence is limited at this time, the clinical significance of this alteration remains unclear.